The following is an entry in ClinVar:

ClinVar aggregate classification (germline): Uncertain significance (1 of 4 stars; one submission).

Conditions:
Hereditary cancer-predisposing syndrome. Also called: Neoplastic Syndromes, Hereditary; Hereditary neoplastic syndrome; Tumor predisposition; Hereditary Cancer Syndrome. Identifiers: Orphanet 140162, MedGen C0027672, MeSH D009386, MONDO:0015356.

Submission:

Ambry Genetics
Classification: Uncertain significance for Hereditary cancer-predisposing syndrome. Last evaluated: 2023-03-05. Review status: criteria provided, single submitter. Criteria: Ambry Variant Classification Scheme 2023. Collection method: clinical testing. Allele origin: germline.
Comment: The p.Q2704R variant (also known as c.8111A>G), located in coding exon 15 of the APC gene, results from an A to G substitution at nucleotide position 8111. The glutamine at codon 2704 is replaced by arginine, an amino acid with highly similar properties. This amino acid position is conserved. In addition, in silico predictors for this gene do not accurately predict pathogenicity. Since supporting evidence is limited at this time, the clinical significance of this alteration remains unclear.

NM_000038.6(APC):c.8111A>G (p.Gln2704Arg)

Gene: APC (APC regulator of Wnt signaling pathway; plus strand). Cytogenetic location: 5q22.2.
Variant type: single nucleotide variant.
Coding change: c.8111A>G on transcript NM_000038.6 (MANE Select); coding-DNA position 8111, A replaced by G.
Protein change: p.Gln2704Arg; replaces glutamine 2704 with arginine.
Molecular consequence: missense variant. On other transcripts: non-coding transcript variant (2).
Genome position (GRCh38, 1-based): chr5:112,843,705, A>G. VCF-style: chr5-112843705-A-G. GRCh37 (hg19) VCF-style: chr5-112179402-A-G.
Other names: c.8111A>G, p.Gln2704Arg (NM_001127510.3, NM_001354895.2, NM_001407450.1); c.8057A>G, p.Gln2686Arg (NM_001127511.3); c.8165A>G, p.Gln2722Arg (NM_001354896.2, NM_001407447.1, NM_001407448.1 and 1 more transcripts); c.8141A>G, p.Gln2714Arg (NM_001354897.2); c.8036A>G, p.Gln2679Arg (NM_001354898.2); c.8027A>G, p.Gln2676Arg (NM_001354899.2); c.7988A>G, p.Gln2663Arg (NM_001354900.2); c.7934A>G, p.Gln2645Arg (NM_001354901.2, NM_001407453.1); and 11 more; short protein forms Q2575R, Q2578R, Q2613R, Q2704R, Q2714R, Q2722R, Q2663R, Q2686R.
Identifiers: ClinVar variation 2483675 (VCV002483675.2), dbSNP rs2533844767, ClinGen allele CA16038948.
Genomic context (GRCh38, chr5:112,843,705, plus strand): 5'-ACAGTGTTTCAGAAAAGGCAAATCCAAACATTAAAGATTCAAAAGATAATCAGGCAAAAC[A>G]AAATGTGGGTAATGGCAGTGTTCCCATGCGTACCGTGGGTTTGGAAAATCGCCTGAACTC-3'
Protein context (NP_000029.2, residues 2694-2714): IKDSKDNQAK[Gln2704Arg]NVGNGSVPMR